The following is an entry in ClinVar:

ClinVar aggregate classification (germline): Pathogenic (1 of 4 stars; one submission).

Conditions:
Hereditary cancer-predisposing syndrome. Also called: Neoplastic Syndromes, Hereditary; Tumor predisposition; Hereditary neoplastic syndrome; Hereditary Cancer Syndrome. Identifiers: Orphanet 140162, MedGen C0027672, MeSH D009386, MONDO:0015356.

Submission:

Ambry Genetics
Classification: Pathogenic for Hereditary cancer-predisposing syndrome. Last evaluated: 2019-08-12. Review status: criteria provided, single submitter. Criteria: Ambry Variant Classification Scheme 2023. Collection method: clinical testing. Allele origin: germline.
Comment: The c.4142delC pathogenic mutation, located in coding exon 15 of the APC gene, results from a deletion of one nucleotide at nucleotide position 4142, causing a translational frameshift with a predicted alternate stop codon (p.P1381Hfs*34). This alteration is expected to result in loss of function by premature protein truncation or nonsense-mediated mRNA decay. As such, this alteration is interpreted as a disease-causing mutation.

NM_000038.6(APC):c.4142del (p.Pro1381fs)

Gene: APC (APC regulator of Wnt signaling pathway; plus strand). Cytogenetic location: 5q22.2.
Variant type: Deletion.
Coding change: c.4142del on transcript NM_000038.6 (MANE Select); coding-DNA position 4142, one base deleted (C; older notation c.4142delC).
Protein change: p.Pro1381fs; shifts the reading frame from proline 1381.
Molecular consequence: frameshift variant.
Genome position (GRCh38, 1-based): chr5:112,839,736, C deleted; the last of 4 consecutive C bases (chr5:112,839,733-112,839,736); deleting any one gives the same sequence. VCF-style (leftmost placement, unchanged base first): chr5-112839732-AC-A. GRCh37 (hg19) VCF-style: chr5-112175429-AC-A.
Other names: c.4196del, p.Pro1399fs (NM_001354896.2); c.4172del, p.Pro1391fs (NM_001354897.2); c.4019del, p.Pro1340fs (NM_001354900.2); c.4067del, p.Pro1356fs (NM_001354898.2); c.4058del, p.Pro1353fs (NM_001354899.2); c.3965del, p.Pro1322fs (NM_001354901.2); c.4142del, p.Pro1381fs (NM_001127510.3, NM_001354895.2); c.4088del, p.Pro1363fs (NM_001127511.3); and 5 more; short protein forms P1098fs, P1399fs, P1280fs, P1353fs, P1356fs, P1221fs, P1255fs, P1290fs.
Identifiers: ClinVar variation 824624 (VCV000824624.4), dbSNP rs1580644533, ClinGen allele CA658760658.